The following is an entry in ClinVar:

ClinVar aggregate classification (germline): Likely pathogenic (1 of 4 stars; one submission).

Conditions:
Glycogen storage disease, type IV (GSD4). Also called: AMYLOPECTINOSIS; ANDERSEN DISEASE; BRANCHER DEFICIENCY; CIRRHOSIS, FAMILIAL, WITH DEPOSITION OF ABNORMAL GLYCOGEN; GBE1 DEFICIENCY; GLYCOGEN BRANCHING ENZYME DEFICIENCY. Identifiers: Orphanet 367, MedGen C0017923, MONDO:0009292, OMIM 232500.
Glycogen storage disease IV, classic hepatic. Also called: GSD IV, CLASSIC HEPATIC. Identifiers: MedGen C1856301.

Submission:

Labcorp Genetics (formerly Invitae), Labcorp
Classification: Likely pathogenic for Glycogen storage disease, type IV; Glycogen storage disease IV, classic hepatic. Last evaluated: 2023-03-02. Review status: criteria provided, single submitter. Criteria: Invitae Variant Classification Sherloc (09022015). Collection method: clinical testing. Allele origin: germline.
Comment: Algorithms developed to predict the effect of sequence changes on RNA splicing suggest that this variant may disrupt the consensus splice site. This variant has not been reported in the literature in individuals affected with GBE1-related conditions. This variant is not present in population databases (gnomAD no frequency). This sequence change affects a donor splice site in intron 14 of the GBE1 gene. It is expected to disrupt RNA splicing. Variants that disrupt the donor or acceptor splice site typically lead to a loss of protein function (PMID: 16199547), and loss-of-function variants in GBE1 are known to be pathogenic (PMID: 15452297, 20058079). In summary, the currently available evidence indicates that the variant is pathogenic, but additional data are needed to prove that conclusively. Therefore, this variant has been classified as Likely Pathogenic.

Literature cited by the submitters: PubMed 16199547; PubMed 15452297; PubMed 20058079.

NM_000158.4(GBE1):c.1934+2T>A

Gene: GBE1 (1,4-alpha-glucan branching enzyme 1; minus strand). Cytogenetic location: 3p12.2.
Variant type: single nucleotide variant.
Coding change: c.1934+2T>A on transcript NM_000158.4 (MANE Select); the canonical splice donor site of the intron after coding-DNA position 1934, T replaced by A.
Molecular consequence: splice donor variant.
Genome position (GRCh38, 1-based): chr3:81,535,193, A>T on the plus strand (T>A on the coding strand, the complement: GBE1 is on the minus strand). VCF-style: chr3-81535193-A-T. GRCh37 (hg19) VCF-style: chr3-81584344-A-T.
Identifiers: ClinVar variation 2944894 (VCV002944894.3), dbSNP rs752625236, ClinGen allele CA353685981.